The following is an entry in ClinVar:

NM_001457.4(FLNB):c.3488C>T (p.Pro1163Leu)

Gene: FLNB (filamin B; plus strand). Cytogenetic location: 3p14.3.
Variant type: single nucleotide variant.
Coding change: c.3488C>T on transcript NM_001457.4 (MANE Select); coding-DNA position 3488, C replaced by T.
Protein change: p.Pro1163Leu; replaces proline 1163 with leucine.
Molecular consequence: missense variant.
Genome position (GRCh38, 1-based): chr3:58,123,454, C>T. VCF-style: chr3-58123454-C-T. GRCh37 (hg19) VCF-style: chr3-58109181-C-T.
Other names: c.3488C>T, p.Pro1163Leu (NM_001164317.2, NM_001164318.2, NM_001164319.2); short protein forms P1163L.
Identifiers: ClinVar variation 3614251 (VCV003614251.2).

ClinVar aggregate classification (germline): Uncertain significance (1 of 4 stars; one submission).

gnomAD v4.1: 17 of 1,609,178 alleles (0.0011%); highest among the groups gnomAD compares: Admixed American, 0.0017%; no homozygotes.

Submission:

Labcorp Genetics (formerly Invitae), Labcorp
Classification: Uncertain significance. Last evaluated: 2025-12-03. Review status: criteria provided, single submitter. Criteria: Invitae Variant Classification Sherloc (09022015). Collection method: clinical testing. Allele origin: germline.
Comment: This sequence change replaces proline, which is neutral and non-polar, with leucine, which is neutral and non-polar, at codon 1163 of the FLNB protein (p.Pro1163Leu). This variant is not present in population databases (gnomAD no frequency). This variant has not been reported in the literature in individuals affected with FLNB-related conditions. ClinVar contains an entry for this variant (Variation ID: 3614251). Invitae Evidence Modeling of protein sequence and biophysical properties (such as structural, functional, and spatial information, amino acid conservation, physicochemical variation, residue mobility, and thermodynamic stability) indicates that this missense variant is not expected to disrupt FLNB protein function with a negative predictive value of 95%. In summary, the available evidence is currently insufficient to determine the role of this variant in disease. Therefore, it has been classified as a Variant of Uncertain Significance.